The following is an entry in ClinVar:

ClinVar aggregate classification (germline): Conflicting classifications of pathogenicity. Review status: criteria provided, conflicting classifications (1 of 4 stars). 2 submissions from 2 submitters: Likely pathogenic (1); Uncertain significance (1). Last evaluated 2023-12-02.

Conditions:
Desmin-related myofibrillar myopathy (MFM1). Also called: MYOFIBRILLAR MYOPATHY WITH ARRHYTHMOGENIC RIGHT VENTRICULAR CARDIOMYOPATHY; DESMIN-RELATED MYOPATHY WITH ARRHYTHMOGENIC RIGHT VENTRICULAR CARDIOMYOPATHY; Desminopathy; Myofibrillar myopathy 1; Desmin related myopathy (former name); Desmin storage myopathy (former name). Identifiers: Orphanet 363543, Orphanet 98909, MedGen C1832370, MONDO:0011076, OMIM 601419.
Dilated cardiomyopathy 1I (CMD1I). Identifiers: Orphanet 154, MedGen C1858154, MONDO:0011482, OMIM 604765.

Allele frequency attached by ClinVar (database versions not stated): ExAC 0.00001; ESP Exome Variant Server 0.00008.

Submissions (2):

Labcorp Genetics (formerly Invitae), Labcorp
Classification: Uncertain significance for Desmin-related myofibrillar myopathy. Last evaluated: 2023-12-02. Review status: criteria provided, single submitter. Criteria: Invitae Variant Classification Sherloc (09022015). Collection method: clinical testing. Allele origin: germline.
Comment: This sequence change replaces glutamic acid, which is acidic and polar, with lysine, which is basic and polar, at codon 246 of the DES protein (p.Glu246Lys). This variant is not present in population databases (gnomAD no frequency). This variant has not been reported in the literature in individuals affected with DES-related conditions. ClinVar contains an entry for this variant (Variation ID: 2573100). An algorithm developed to predict the effect of missense changes on protein structure and function (PolyPhen-2) suggests that this variant is likely to be disruptive. Algorithms developed to predict the effect of sequence changes on RNA splicing suggest that this variant may create or strengthen a splice site. In summary, the available evidence is currently insufficient to determine the role of this variant in disease. Therefore, it has been classified as a Variant of Uncertain Significance.

MVZ Martinsried, Medicover Genetics
Classification: Likely pathogenic for Dilated cardiomyopathy 1I. Last evaluated: 2023-07-04. Review status: criteria provided, single submitter. Criteria: ACGS Guidelines, 2020. Collection method: clinical testing. Allele origin: inherited.

NM_001927.4(DES):c.736G>A (p.Glu246Lys)

Gene: DES (desmin; plus strand). Cytogenetic location: 2q35.
Variant type: single nucleotide variant.
Coding change: c.736G>A on transcript NM_001927.4 (MANE Select); coding-DNA position 736, G replaced by A.
Protein change: p.Glu246Lys; replaces glutamic acid 246 with lysine.
Molecular consequence: missense variant. On other transcripts: intron variant (2).
Genome position (GRCh38, 1-based): chr2:219,420,495, G>A. VCF-style: chr2-219420495-G-A. GRCh37 (hg19) VCF-style: chr2-220285217-G-A.
Other names: c.733G>A, p.Glu245Lys (NM_001382708.1); c.736G>A, p.Glu246Lys (NM_001382710.1, NM_001382711.1, NM_001382712.1); c.735+149G>A (NM_001382709.1); c.496-30G>A (NM_001382713.1); short protein forms E245K, E246K.
Identifiers: ClinVar variation 2573100 (VCV002573100.4), dbSNP rs144057476, ClinGen allele CA2125153.